The following is an entry in ClinVar:

ClinVar aggregate classification (germline): Uncertain significance (1 of 4 stars; one submission).

gnomAD v4.1: 1 of 1,613,774 alleles (0.000062%); highest among the groups gnomAD compares: African/African-American, 0.0013%; no homozygotes.

Submission:

Dasa
Classification: Uncertain significance. Last evaluated: 2025-06-26. Review status: criteria provided, single submitter. Criteria: DASA Assertion Criteria. Collection method: clinical testing. Allele origin: germline.
Comment: NM_030948.6(PHACTR1):c.878G>A (p.Gly293Asp) is a missense variant that results in the substitution of glycine with aspartic acid. This variant is rare in population databases. Computational prediction algorithms are consistent with a benign effect. The currently available literature and clinical evidence are not sufficient to establish a definitive association between this variant and the reported condition. Therefore, this variant is classified as a variant of uncertain significance.

NM_030948.6(PHACTR1):c.878G>A (p.Gly293Asp)

Gene: PHACTR1 (phosphatase and actin regulator 1; plus strand). Cytogenetic location: 6p24.1.
Variant type: single nucleotide variant.
Coding change: c.878G>A on transcript NM_030948.6 (MANE Select); coding-DNA position 878, G replaced by A.
Protein change: p.Gly293Asp; replaces glycine 293 with aspartic acid.
Molecular consequence: missense variant.
Genome position (GRCh38, 1-based): chr6:13,206,028, G>A. VCF-style: chr6-13206028-G-A. GRCh37 (hg19) VCF-style: chr6-13206260-G-A.
Other names: c.602G>A, p.Gly201Asp (NM_001322312.3, NM_001374583.2, NM_001322311.2); c.809G>A, p.Gly270Asp (NM_001322313.2); c.1088G>A, p.Gly363Asp (NM_001322314.4); c.878G>A, p.Gly293Asp (NM_001374581.2, NM_001242648.4, NM_001322308.3 and 1 more transcripts); c.1085G>A, p.Gly362Asp (NM_001374582.1, NM_001322310.2); short protein forms G201D, G270D, G293D, G362D, G363D.
Identifiers: ClinVar variation 4884930 (VCV004884930.2).
Genomic context (GRCh38, chr6:13,206,028, plus strand): 5'-AGCACCACCACACTGTCCTGCCCTCCCAGATCCAGCACCAGCTGCAGTACGGCAGCCACG[G>A]CCAGCACCTCCCCTCCACCACCGGCTCCCTCCCCATGCACCCCTCGGGCTGCAGAATGAT-3'
Protein context (NP_112210.1, residues 283-303): IQHQLQYGSH[Gly293Asp]QHLPSTTGSL